The following is an entry in ClinVar:

ClinVar aggregate classification (germline): Likely benign (1 of 4 stars; one submission).

Submission:

CeGaT Center for Human Genetics Tuebingen
Classification: Likely benign. Last evaluated: 2025-08-01. Review status: criteria provided, single submitter. Criteria: CeGaT Center For Human Genetics Tuebingen Variant Classification Criteria Version 2. Collection method: clinical testing. Allele origin: germline. Affected: yes. Observed: 1 variant allele.
Comment: SUFU: PM2:Supporting, BP4, BP7

NM_016169.4(SUFU):c.1047T>C (p.Ser349=)

Gene: SUFU (SUFU negative regulator of hedgehog signaling; plus strand). Cytogenetic location: 10q24.32.
Variant type: single nucleotide variant.
Coding change: c.1047T>C on transcript NM_016169.4 (MANE Select); coding-DNA position 1047, T replaced by C.
Protein change: p.Ser349=; no amino-acid change (serine 349 retained).
Molecular consequence: synonymous variant.
Genome position (GRCh38, 1-based): chr10:102,615,292, T>C. VCF-style: chr10-102615292-T-C. GRCh37 (hg19) VCF-style: chr10-104375049-T-C.
Other names: c.1047T>C, p.Ser349= (NM_001178133.2).
Identifiers: ClinVar variation 4084270 (VCV004084270.8).